The following is an entry in ClinVar:

ClinVar aggregate classification (germline): Pathogenic/Likely pathogenic. Review status: criteria provided, multiple submitters, no conflicts (2 of 4 stars). 12 submissions from 12 submitters: Pathogenic (4); Likely pathogenic (6). 2 of the submissions do not count toward it. Last evaluated 2026-01-22.

Conditions:
Tubulinopathy. Also called: Tubulinopathies. Identifiers: MedGen CN850169, MONDO:0100153.
TUBB2A-related disorder. Also called: TUBB2A-related condition.
Complex cortical dysplasia with other brain malformations 5. Identifiers: MedGen C3810407, MONDO:0014337, OMIM 615763.

Submissions (12):

PreventionGenetics, part of Exact Sciences
Classification: Pathogenic for TUBB2A-related condition. Last evaluated: 2026-01-22. Review status: criteria provided, single submitter. Criteria: ACMG Guidelines, 2015. Collection method: clinical testing. Allele origin: germline.
Comment: The TUBB2A c.292G>A variant is predicted to result in the amino acid substitution p.Gly98Arg. This variant has been reported as a recurrent de novo finding in multiple unrelated individuals with variable clinical features of TUBB2A-related tubulinopathy, including autism spectrum disorder, intellectual disability, global developmental delay, hypotonia, seizures, and cortical brain malformations (Schmidt et al. 2021. PubMed ID: 33776625; Supplementary Data 1, Zhou et al. 2022. PubMed ID: 35982159; Table S2, Wright et al. 2024. PubMed ID: 38958063; PreventionGenetics Internal Data). This variant has not been reported in a large population database (gnomAD), indicating this variant is rare. This variant is interpreted as pathogenic.

Revvity Omics, Revvity
Classification: Likely pathogenic for Complex cortical dysplasia with other brain malformations 5. Last evaluated: 2025-06-19. Review status: criteria provided, single submitter. Criteria: ACMG Guidelines, 2015. Collection method: clinical testing. Allele origin: germline.

Labcorp Genetics (formerly Invitae), Labcorp
Classification: Pathogenic. Last evaluated: 2024-05-27. Review status: criteria provided, single submitter. Criteria: Invitae Variant Classification Sherloc (09022015). Collection method: clinical testing. Allele origin: germline.
Comment: This sequence change replaces glycine, which is neutral and non-polar, with arginine, which is basic and polar, at codon 98 of the TUBB2A protein (p.Gly98Arg). This variant is not present in population databases (gnomAD no frequency). This missense change has been observed in individual(s) with cortical malformations (PMID: 33776625). In at least one individual the variant was observed to be de novo. ClinVar contains an entry for this variant (Variation ID: 421739). Advanced modeling of protein sequence and biophysical properties (such as structural, functional, and spatial information, amino acid conservation, physicochemical variation, residue mobility, and thermodynamic stability) performed at Invitae indicates that this missense variant is expected to disrupt TUBB2A protein function with a positive predictive value of 80%. For these reasons, this variant has been classified as Pathogenic.

GeneDx
Classification: Pathogenic. Last evaluated: 2021-11-24. Review status: criteria provided, single submitter. Criteria: GeneDx Variant Classification Process June 2021. Collection method: clinical testing. Allele origin: germline. Affected: yes.
Comment: Not observed in large population cohorts (Lek et al., 2016); In silico analysis, which includes protein predictors and evolutionary conservation, supports a deleterious effect; This variant is associated with the following publications: (PMID: 33776625, 33064843)

Blueprint Genetics
Classification: Pathogenic for TUBB2A-related disorders. Last evaluated: 2021-06-15. Review status: criteria provided, single submitter. Criteria: ACMG Guidelines, 2015. Collection method: clinical testing. Allele origin: germline. Affected: yes. Observed: 1 variant allele.

Baylor Genetics
Classification: Likely pathogenic for Complex cortical dysplasia with other brain malformations 5. Last evaluated: 2020-05-27. Review status: criteria provided, single submitter. Criteria: ACMG Guidelines, 2015. Collection method: clinical testing. Allele origin: unknown. Affected: yes.
Comment: This variant was determined to be likely pathogenic according to ACMG Guidelines, 2015 [PMID:25741868].

Illumina Laboratory Services, Illumina
Classification: Likely pathogenic for Tubulinopathy. Last evaluated: 2019-10-27. Review status: criteria provided, single submitter. Criteria: ICSLVariantClassificationCriteria RUGD 01 April 2020. Collection method: clinical testing. Allele origin: unknown.
Comment: The TUBB2A c.292G>A p.(Gly98Arg) missense variant has not, to our knowledge, been reported in the peer-reviewed literature in association with tubulinopathy. However, the corresponding variant in the highly homologous (98% amino-acid sequence homology) TUBB2B gene, p.(Gly98Arg), has been reported in a heterozygous de novo state in at least two individuals with a tubulinopathy phenotype (Cushion et al. 2013; Bahi-Buisson et al. 2014). The TUBB2A p.Gly98Arg variant is not observed in version 2.1.1 of the Genome Aggregation Database. Based on the available evidence the c.292G>A p.(Gly98Arg) variant is classified as likely pathogenic for tubulinopathy.

Institute of Human Genetics Munich, TUM University Hospital
Classification: Likely pathogenic for Complex cortical dysplasia with other brain malformations 5. Last evaluated: 2019-07-10. Review status: criteria provided, single submitter. Criteria: Classification criteria August 2017. Collection method: clinical testing. Allele origin: germline. Inheritance: Autosomal dominant inheritance. Affected: yes. Observed: 1 heterozygote.

Equipe Genetique des Anomalies du Developpement, Université de Bourgogne
Classification: Likely pathogenic for Complex cortical dysplasia with other brain malformations 5. Last evaluated: 2018-10-16. Review status: criteria provided, single submitter. Criteria: ACMG Guidelines, 2015. Collection method: clinical testing. Allele origin: de novo. Affected: yes.

Neuberg Centre For Genomic Medicine, NCGM
Classification: Likely pathogenic for Complex cortical dysplasia with other brain malformations 5. Review status: criteria provided, single submitter. Criteria: ACMG Guidelines, 2015. Collection method: clinical testing. Allele origin: germline. Affected: yes.
Comment: The missense variant p.G98R in TUBB2A (NM_001069.3) has been previously reported as a de novo variant in 3 unrelated affected individuals with global developmental delay, seizures and cortical malformations (Schmidt L et al, 2021). The variant has been submitted to ClinVar as Likely Pathogenic. The variant is novel (not in any individuals) in gnomAD Exomes.The p.G98R variant is novel (not in any individuals) in 1000 Genomes. The p.G98R missense variant is predicted to be damaging by both SIFT and PolyPhen2. The glycine residue at codon 98 of TUBB2A is conserved in all mammalian species. The nucleotide c.292 in TUBB2A is predicted conserved by GERP++ and PhyloP across 100 vertebrates. For these reasons, this variant has been classified as Likely Pathogenic.

OMIM
Classification: Pathogenic for CORTICAL DYSPLASIA, COMPLEX, WITH OTHER BRAIN MALFORMATIONS 5. Last evaluated: 2021-09-23. Review status: no assertion criteria provided. Collection method: literature only. Allele origin: germline. Not counted in ClinVar's aggregate classification.

Service de Génétique Moléculaire, Hôpital Robert Debré
Classification: Likely pathogenic for Complex cortical dysplasia with other brain malformations 5. Review status: no assertion criteria provided. Collection method: clinical testing. Allele origin: unknown. Affected: yes. Not counted in ClinVar's aggregate classification.

Literature cited by the submitters: PubMed 33776625 (cited by Labcorp Genetics (formerly Invitae), Labcorp and OMIM).

NM_001069.3(TUBB2A):c.292G>A (p.Gly98Arg)

Gene: TUBB2A (tubulin beta 2A class IIa; minus strand). Cytogenetic location: 6p25.2.
Variant type: single nucleotide variant.
Coding change: c.292G>A on transcript NM_001069.3 (MANE Select); coding-DNA position 292, G replaced by A.
Protein change: p.Gly98Arg; replaces glycine 98 with arginine.
Molecular consequence: missense variant.
Genome position (GRCh38, 1-based): chr6:3,154,909, C>T on the plus strand (G>A on the coding strand, the complement: TUBB2A is on the minus strand). VCF-style: chr6-3154909-C-T. GRCh37 (hg19) VCF-style: chr6-3155143-C-T.
Other names: c.37G>A, p.Gly13Arg (NM_001310315.2); short protein forms G98R, G13R.
Identifiers: ClinVar variation 421739 (VCV000421739.21), dbSNP rs1064795334, ClinGen allele CA16618277.
Genomic context (GRCh38, chr6:3,154,909, plus strand): 5'-CCAGGACCGAGTCGACCAGCTCGGCTCCCTCTGTGTAGTGGCCCTTGGCCCAGTTATTCC[C>T]GGCTCCACTCTGGCCTGCCAGAGGGAAAGTGAACATTAGACACTAAAACATAAGGAATTT-3'
Protein context (NP_001060.1, residues 88-108): DNFVFGQSGA[Gly98Arg]NNWAKGHYTE